The following is an entry in ClinVar:

NM_032578.4(MYPN):c.2565-7C>T

Gene: MYPN (myopalladin; plus strand). Cytogenetic location: 10q21.3.
Variant type: single nucleotide variant.
Coding change: c.2565-7C>T on transcript NM_032578.4 (MANE Select); 7 bases into the intron before coding-DNA position 2565, C replaced by T.
Molecular consequence: intron variant.
Genome position (GRCh38, 1-based): chr10:68,175,316, C>T. VCF-style: chr10-68175316-C-T. GRCh37 (hg19) VCF-style: chr10-69935073-C-T.
Other names: c.2565-7C>T (NM_001256267.2); c.1683-7C>T (NM_001256268.2).
Identifiers: ClinVar variation 700775 (VCV000700775.21), dbSNP rs373241021, ClinGen allele CA208205352.
Genomic context (GRCh38, chr10:68,175,316, plus strand): 5'-ATTTCTAGGCCTTTTTACCCTGGCCAGTGCTTTTCATGGGTGTGTCAGGTGTGGATTTAT[C>T]TTACAGGCCATCCCAGGGATTAGCGAAGAAAAATACAAAGTCTCCTCAACCAGTGAATGA-3'

ClinVar aggregate classification (germline): Likely benign. Review status: criteria provided, multiple submitters, no conflicts (2 of 4 stars). 4 submissions from 4 submitters: Likely benign (4). Last evaluated 2026-04-22.

Conditions:
MYPN-related disorder. Also called: MYPN-related condition.
Dilated cardiomyopathy 1KK (CMD1KK). Identifiers: Orphanet 154, Orphanet 75249, MedGen C3714995, MONDO:0014100, OMIM 615248.
MYPN-related myopathy (CMYO24). Also called: Nemaline myopathy 11, autosomal recessive. Identifiers: MedGen C4479186, MONDO:0015023, OMIM 617336.

Allele frequency attached by ClinVar (database versions not stated): gnomAD exomes 0.00002 and 0.00010; gnomAD 0.00004 and 0.00005; TOPMed 0.00007; ESP Exome Variant Server 0.00008.
gnomAD v4.1: 153 of 1,613,750 alleles (0.0095%); highest among the groups gnomAD compares: Non-Finnish European, 0.012%; no homozygotes.

Submissions (4):

PreventionGenetics, part of Exact Sciences
Classification: Likely benign for MYPN-related condition. Last evaluated: 2026-04-22. Review status: criteria provided, single submitter. Criteria: ACMG Guidelines, 2015. Collection method: clinical testing. Allele origin: germline.
Comment: This variant is classified as likely benign based on ACMG/AMP sequence variant interpretation guidelines (Richards et al. 2015 PMID: 25741868, with internal and published modifications).

Labcorp Genetics (formerly Invitae), Labcorp
Classification: Likely benign for Dilated cardiomyopathy 1KK. Last evaluated: 2025-09-09. Review status: criteria provided, single submitter. Criteria: Invitae Variant Classification Sherloc (09022015). Collection method: clinical testing. Allele origin: germline.

Blueprint Genetics
Classification: Likely benign. Last evaluated: 2023-03-07. Review status: criteria provided, single submitter. Criteria: ACMG Guidelines, 2015. Collection method: clinical testing. Allele origin: germline.

Fulgent Genetics
Classification: Likely benign for Dilated cardiomyopathy 1KK; MYPN-related myopathy. Last evaluated: 2021-07-26. Review status: criteria provided, single submitter. Criteria: ACMG Guidelines, 2015. Collection method: clinical testing. Allele origin: unknown.